The following is an entry in ClinVar:

ClinVar aggregate classification (germline): Uncertain significance. Review status: criteria provided, multiple submitters, no conflicts (2 of 4 stars). 2 submissions from 2 submitters: Uncertain significance (2). Last evaluated 2025-03-19.

Conditions:
Benign neonatal seizures. Also called: Benign familial neonatal seizures; Convulsions benign familial neonatal dominant form; Autosomal dominant form of benign neonatal seizures; Benign neonatal familial convulsions; Benign familial neonatal epilepsy. Identifiers: Orphanet 1949, MedGen C0220669, MONDO:0016027.

gnomAD v4.1: 6 of 1,614,214 alleles (0.00037%); highest among the groups gnomAD compares: Non-Finnish European, 0.00051%; no homozygotes.

Submissions (2):

Labcorp Genetics (formerly Invitae), Labcorp
Classification: Uncertain significance for Benign neonatal seizures. Last evaluated: 2025-03-19. Review status: criteria provided, single submitter. Criteria: Invitae Variant Classification Sherloc (09022015). Collection method: clinical testing. Allele origin: germline.
Comment: This sequence change replaces serine, which is neutral and polar, with tyrosine, which is neutral and polar, at codon 775 of the KCNQ3 protein (p.Ser775Tyr). This variant is not present in population databases (gnomAD no frequency). This variant has not been reported in the literature in individuals affected with KCNQ3-related conditions. Invitae Evidence Modeling of protein sequence and biophysical properties (such as structural, functional, and spatial information, amino acid conservation, physicochemical variation, residue mobility, and thermodynamic stability) indicates that this missense variant is not expected to disrupt KCNQ3 protein function with a negative predictive value of 95%. In summary, the available evidence is currently insufficient to determine the role of this variant in disease. Therefore, it has been classified as a Variant of Uncertain Significance.

Blueprint Genetics
Classification: Uncertain significance. Last evaluated: 2023-12-13. Review status: criteria provided, single submitter. Criteria: ACMG Guidelines, 2015. Collection method: clinical testing. Allele origin: germline.

NM_004519.4(KCNQ3):c.2324C>A (p.Ser775Tyr)

Gene: KCNQ3 (potassium voltage-gated channel subfamily Q member 3; minus strand). Cytogenetic location: 8q24.22.
Variant type: single nucleotide variant.
Coding change: c.2324C>A on transcript NM_004519.4 (MANE Select); coding-DNA position 2324, C replaced by A.
Protein change: p.Ser775Tyr; replaces serine 775 with tyrosine.
Molecular consequence: missense variant.
Genome position (GRCh38, 1-based): chr8:132,129,557, G>T on the plus strand (C>A on the coding strand, the complement: KCNQ3 is on the minus strand). VCF-style: chr8-132129557-G-T. GRCh37 (hg19) VCF-style: chr8-133141804-G-T.
Other names: c.1964C>A, p.Ser655Tyr (NM_001204824.2); short protein forms S655Y, S775Y.
Identifiers: ClinVar variation 4716189 (VCV004716189.2).